The following is an entry in ClinVar:

ClinVar aggregate classification (germline): Likely pathogenic (1 of 4 stars; one submission).

Conditions:
Autosomal recessive Alport syndrome (ATS2). Also called: ALPORT SYNDROME 2, AUTOSOMAL RECESSIVE; COL4A4 Alport Syndrome and Thin Basement Membrane Nephropathy; Alport syndrome type 2; COL4A3-Related Nephropathy. Identifiers: Orphanet 63, Orphanet 88919, MedGen C4746745, MONDO:0008762, OMIM 203780.

gnomAD v4.1: 3 of 1,613,390 alleles (0.00019%); highest among the groups gnomAD compares: East Asian, 0.0067%; no homozygotes.

Submission:

3billion
Classification: Likely pathogenic for Autosomal recessive Alport syndrome. Last evaluated: 2025-06-01. Review status: criteria provided, single submitter. Criteria: ACMG Guidelines, 2015. Collection method: clinical testing. Allele origin: germline. Affected: yes.
Comment: The variant is observed at an extremely low frequency in the gnomAD v4.1.0 dataset (total allele frequency: <0.001%). Predicted Consequence/Location: Missense variant Damaging effect on gene or gene product predicted by in silico programs is uncertain [REVEL: 0.19 (damaging >=0.6, benign <0.4), 3Cnet: 0.33 (damaging >0.75, benign <0.1)]. The same nucleotide change resulting in the same amino acid change has been previously reported to be associated with COL4A4-related disorder (ClinVar ID: VCV001333214 /3billion dataset). Therefore, this variant is classified as Likely pathogenic (PS1_P, PS4_S, PM2_M, PM3_P) according to the recommendation of ACMG/AMP guideline.

NM_000092.5(COL4A4):c.1967A>G (p.Asp656Gly)

Gene: COL4A4 (collagen type IV alpha 4 chain; minus strand). Cytogenetic location: 2q36.3.
Variant type: single nucleotide variant.
Coding change: c.1967A>G on transcript NM_000092.5 (MANE Select); coding-DNA position 1967, A replaced by G.
Protein change: p.Asp656Gly; replaces aspartic acid 656 with glycine.
Molecular consequence: missense variant.
Genome position (GRCh38, 1-based): chr2:227,077,914, T>C on the plus strand (A>G on the coding strand, the complement: COL4A4 is on the minus strand). VCF-style: chr2-227077914-T-C. GRCh37 (hg19) VCF-style: chr2-227942630-T-C.
Other names: short protein forms D656G.
Identifiers: ClinVar variation 1333214 (VCV001333214.5), dbSNP rs1387537859, ClinGen allele CA350845131.